The following is an entry in ClinVar:

NM_000071.3(CBS):c.496A>C (p.Ile166Leu)

Gene: CBS (cystathionine beta-synthase; minus strand). Cytogenetic location: 21q22.3.
Variant type: single nucleotide variant.
Coding change: c.496A>C on transcript NM_000071.3 (MANE Select); coding-DNA position 496, A replaced by C.
Protein change: p.Ile166Leu; replaces isoleucine 166 with leucine.
Molecular consequence: missense variant.
Genome position (GRCh38, 1-based): chr21:43,065,651, T>G on the plus strand (A>C on the coding strand, the complement: CBS is on the minus strand). VCF-style: chr21-43065651-T-G. GRCh37 (hg19) VCF-style: chr21-44485761-T-G.
Other names: c.496A>C, p.Ile166Leu (NM_001178008.3, NM_001178009.3, NM_001320298.2); c.181A>C, p.Ile61Leu (NM_001321072.1); short protein forms I166L, I61L.
Identifiers: ClinVar variation 1744446 (VCV001744446.2), dbSNP rs1982612017, ClinGen allele CA410601395.
Genomic context (GRCh38, chr21:43,065,651, plus strand): 5'-CCCGCCCCTGGCCACGCCCACCCACCTTCTCGGAGCTCATCTTCTCTGGCATCACGATGA[T>G]GCAGCGATAGCCCCTCACTGCCGCAGCCAGGGCCAGCCCGATCCCTGAGGGCACACAGAG-3'
Protein context (NP_000062.1, residues 156-176): LAAAVRGYRC[Ile166Leu]IVMPEKMSSE

ClinVar aggregate classification (germline): Uncertain significance (1 of 4 stars; one submission).

Conditions:
Familial thoracic aortic aneurysm and aortic dissection (TAAD). Also called: Thoracic aortic aneurysms and dissections. Identifiers: Orphanet 91387, MedGen C4707243, MONDO:0019625.

Submission:

Ambry Genetics
Classification: Uncertain significance for Familial thoracic aortic aneurysm and aortic dissection. Last evaluated: 2018-07-06. Review status: criteria provided, single submitter. Criteria: Ambry Variant Classification Scheme 2023. Collection method: clinical testing. Allele origin: germline.
Comment: The p.I166L variant (also known as c.496A>C), located in coding exon 4 of the CBS gene, results from an A to C substitution at nucleotide position 496. The isoleucine at codon 166 is replaced by leucine, an amino acid with highly similar properties. This amino acid position is highly conserved in available vertebrate species. In addition, the in silico prediction for this alteration is inconclusive. Since supporting evidence is limited at this time, the clinical significance of this alteration remains unclear.